The following is an entry in ClinVar:

NM_001062.4(TCN1):c.455del (p.Leu152fs)

Gene: TCN1 (transcobalamin 1; minus strand). Cytogenetic location: 11q12.1.
Variant type: Deletion.
Coding change: c.455del on transcript NM_001062.4 (MANE Select); coding-DNA position 455, one base deleted (T; older notation c.455delT).
Protein change: p.Leu152fs; shifts the reading frame from leucine 152.
Molecular consequence: frameshift variant.
Genome position (GRCh38, 1-based): chr11:59,861,628, A deleted on the plus strand (T on the coding strand, the reverse complement: TCN1 is on the minus strand); the first of 4 consecutive A bases (chr11:59,861,628-59,861,631); deleting any one gives the same sequence. VCF-style (leftmost placement, unchanged base first): chr11-59861627-CA-C. GRCh37 (hg19) VCF-style: chr11-59629100-CA-C.
Other names: short protein forms L152fs.
Identifiers: ClinVar variation 4742884 (VCV004742884.1).

ClinVar aggregate classification (germline): Pathogenic (1 of 4 stars; one submission).

Conditions:
Transcobalamin I deficiency (TCN1D). Also called: COBALAMIN PSEUDODEFICIENCY DUE TO TRANSCOBALAMIN DEFICIENCY; COBALAMIN R BINDER PROTEIN DEFICIENCY; TCN1 DEFICIENCY. Identifiers: Orphanet 2967, MedGen C0342700, MONDO:0008659, OMIM 193090.

Submission:

Labcorp Genetics (formerly Invitae), Labcorp
Classification: Pathogenic for Transcobalamin I deficiency. Last evaluated: 2025-05-08. Review status: criteria provided, single submitter. Criteria: Invitae Variant Classification Sherloc (09022015). Collection method: clinical testing. Allele origin: germline.
Comment: This sequence change creates a premature translational stop signal (p.Leu152Trpfs*34) in the TCN1 gene. It is expected to result in an absent or disrupted protein product. Loss-of-function variants in TCN1 are known to be pathogenic (PMID: 19686235). This variant is present in population databases (rs756246011, gnomAD 0.003%). This variant has not been reported in the literature in individuals affected with TCN1-related conditions. For these reasons, this variant has been classified as Pathogenic.

Literature cited by the submitters: PubMed 19686235.